The following is an entry in ClinVar:

NM_015330.6(SPECC1L):c.1039A>T (p.Ser347Cys)

Genes: SPECC1L (sperm antigen with calponin homology and coiled-coil domains 1 like; plus strand), SPECC1L-ADORA2A (SPECC1L-ADORA2A readthrough (NMD candidate); plus strand). Cytogenetic location: 22q11.23.
Variant type: single nucleotide variant.
Coding change: c.1039A>T on transcript NM_015330.6 (MANE Select); coding-DNA position 1039, A replaced by T.
Protein change: p.Ser347Cys; replaces serine 347 with cysteine.
Molecular consequence: missense variant. On other transcripts: non-coding transcript variant (1).
Genome position (GRCh38, 1-based): chr22:24,322,019, A>T. VCF-style: chr22-24322019-A-T. GRCh37 (hg19) VCF-style: chr22-24717987-A-T.
Other names: c.1039A>T, p.Ser347Cys (NM_001145468.4, NM_001254732.3); short protein forms S347C.
Identifiers: ClinVar variation 1409470 (VCV001409470.8), dbSNP rs145257997, ClinGen allele CA10152062.

ClinVar aggregate classification (germline): Uncertain significance (1 of 4 stars; one submission).

Allele frequency attached by ClinVar (database versions not stated): gnomAD 0.00001; gnomAD exomes 0.00001; ExAC 0.00002; ESP Exome Variant Server 0.00008.
gnomAD v4.1: 3 of 1,614,100 alleles (0.00019%); highest among the groups gnomAD compares: Admixed American, 0.0017%; no homozygotes.

Submission:

Labcorp Genetics (formerly Invitae), Labcorp
Classification: Uncertain significance. Last evaluated: 2021-06-18. Review status: criteria provided, single submitter. Criteria: Invitae Variant Classification Sherloc (09022015). Collection method: clinical testing. Allele origin: germline.
Comment: In summary, the available evidence is currently insufficient to determine the role of this variant in disease. Therefore, it has been classified as a Variant of Uncertain Significance. Algorithms developed to predict the effect of missense changes on protein structure and function are either unavailable or do not agree on the potential impact of this missense change (SIFT: "Tolerated"; PolyPhen-2: "Probably Damaging"; Align-GVGD: "Class C15"). This variant has not been reported in the literature in individuals with SPECC1L-related conditions. This variant is present in population databases (rs145257997, ExAC 0.003%). This sequence change replaces serine with cysteine at codon 347 of the SPECC1L protein (p.Ser347Cys). The serine residue is highly conserved and there is a moderate physicochemical difference between serine and cysteine.